The following is an entry in ClinVar:

ClinVar aggregate classification (germline): Likely benign. Review status: criteria provided, multiple submitters, no conflicts (2 of 4 stars). 2 submissions from 2 submitters: Likely benign (2). Last evaluated 2023-04-01.

Conditions:
Cardiovascular phenotype. Identifiers: MedGen CN230736.

gnomAD v4.1: 15 of 1,613,470 alleles (0.00093%); highest among the groups gnomAD compares: Admixed American, 0.017%; no homozygotes.

Submissions (2):

CeGaT Center for Human Genetics Tuebingen
Classification: Likely benign. Last evaluated: 2023-04-01. Review status: criteria provided, single submitter. Criteria: CeGaT Center For Human Genetics Tuebingen Variant Classification Criteria Version 2. Collection method: clinical testing. Allele origin: germline. Affected: yes. Observed: 1 variant allele.
Comment: TNXB: BP4, BP7

Ambry Genetics
Classification: Likely benign for Cardiovascular phenotype. Last evaluated: 2023-03-08. Review status: criteria provided, single submitter. Criteria: Ambry Variant Classification Scheme 2023. Collection method: clinical testing. Allele origin: germline.

NM_001365276.2(TNXB):c.9189G>A (p.Leu3063=)

Gene: TNXB (tenascin XB; minus strand). Cytogenetic location: 6p21.33.
Variant type: single nucleotide variant.
Coding change: c.9189G>A on transcript NM_001365276.2 (MANE Select); coding-DNA position 9189, G replaced by A.
Protein change: p.Leu3063=; no amino-acid change (leucine 3063 retained).
Molecular consequence: synonymous variant.
Genome position (GRCh38, 1-based): chr6:32,050,248, C>T on the plus strand (G>A on the coding strand, the complement: TNXB is on the minus strand). VCF-style: chr6-32050248-C-T. GRCh37 (hg19) VCF-style: chr6-32018025-C-T.
Other names: c.9183G>A, p.Leu3061= (NM_019105.8).
Identifiers: ClinVar variation 2451204 (VCV002451204.26), dbSNP rs371734979, ClinGen allele CA3733602.